The following is an entry in ClinVar:

ClinVar aggregate classification (germline): Uncertain significance. Review status: criteria provided, multiple submitters, no conflicts (2 of 4 stars). 2 submissions from 2 submitters: Uncertain significance (2). Last evaluated 2024-09-04.

Conditions:
Neuroblastoma, susceptibility to, 3. Also called: ALK-Related Neuroblastic Tumor Susceptibility. Identifiers: Orphanet 635, MedGen C2751681, MONDO:0013083, OMIM 613014.
Hereditary cancer-predisposing syndrome. Also called: Hereditary Cancer Syndrome; Neoplastic Syndromes, Hereditary; Hereditary neoplastic syndrome; Tumor predisposition. Identifiers: Orphanet 140162, MedGen C0027672, MeSH D009386, MONDO:0015356.

Submissions (2):

Ambry Genetics
Classification: Uncertain significance for Hereditary cancer-predisposing syndrome. Last evaluated: 2024-09-04. Review status: criteria provided, single submitter. Criteria: Ambry Variant Classification Scheme 2023. Collection method: clinical testing. Allele origin: germline.
Comment: The p.C1255Y variant (also known as c.3764G>A), located in coding exon 25 of the ALK gene, results from a G to A substitution at nucleotide position 3764. The cysteine at codon 1255 is replaced by tyrosine, an amino acid with highly dissimilar properties. This amino acid position is highly conserved in available vertebrate species. In addition, this alteration is predicted to be deleterious by in silico analysis. Based on the available evidence, the clinical significance of this variant remains unclear.

Labcorp Genetics (formerly Invitae), Labcorp
Classification: Uncertain significance for Neuroblastoma, susceptibility to, 3. Last evaluated: 2022-04-27. Review status: criteria provided, single submitter. Criteria: Invitae Variant Classification Sherloc (09022015). Collection method: clinical testing. Allele origin: germline.
Comment: In summary, the available evidence is currently insufficient to determine the role of this variant in disease. Therefore, it has been classified as a Variant of Uncertain Significance. Algorithms developed to predict the effect of missense changes on protein structure and function (SIFT, PolyPhen-2, Align-GVGD) all suggest that this variant is likely to be disruptive. This variant has not been reported in the literature in individuals affected with ALK-related conditions. This variant is not present in population databases (gnomAD no frequency). This sequence change replaces cysteine, which is neutral and slightly polar, with tyrosine, which is neutral and polar, at codon 1255 of the ALK protein (p.Cys1255Tyr).

NM_004304.5(ALK):c.3764G>A (p.Cys1255Tyr)

Gene: ALK (ALK receptor tyrosine kinase; minus strand). Cytogenetic location: 2p23.2.
Variant type: single nucleotide variant.
Coding change: c.3764G>A on transcript NM_004304.5 (MANE Select); coding-DNA position 3764, G replaced by A.
Protein change: p.Cys1255Tyr; replaces cysteine 1255 with tyrosine.
Molecular consequence: missense variant.
Genome position (GRCh38, 1-based): chr2:29,209,858, C>T on the plus strand (G>A on the coding strand, the complement: ALK is on the minus strand). VCF-style: chr2-29209858-C-T. GRCh37 (hg19) VCF-style: chr2-29432724-C-T.
Other names: c.3764G>A (NM_004304.4); c.560G>A, p.Cys187Tyr (NM_001353765.2); short protein forms C187Y, C1255Y.
Identifiers: ClinVar variation 2130965 (VCV002130965.5), dbSNP rs1190225184, ClinGen allele CA346469799.